The following is an entry in ClinVar:

NM_001162383.2(ARHGEF2):c.2544G>C (p.Leu848=)

Gene: ARHGEF2 (Rho/Rac guanine nucleotide exchange factor 2; minus strand). Cytogenetic location: 1q22.
Variant type: single nucleotide variant.
Coding change: c.2544G>C on transcript NM_001162383.2 (MANE Select); coding-DNA position 2544, G replaced by C.
Protein change: p.Leu848=; no amino-acid change (leucine 848 retained).
Molecular consequence: synonymous variant.
Genome position (GRCh38, 1-based): chr1:155,950,988, C>G on the plus strand (G>C on the coding strand, the complement: ARHGEF2 is on the minus strand). VCF-style: chr1-155950988-C-G. GRCh37 (hg19) VCF-style: chr1-155920779-C-G.
Other names: c.2541G>C, p.Leu847= (NM_001162384.2); c.2463G>C, p.Leu821= (NM_001350110.2, NM_001350111.2); c.2490G>C, p.Leu830= (NM_001350112.2); c.2460G>C, p.Leu820= (NM_004723.4).
Identifiers: ClinVar variation 2639440 (VCV002639440.24), dbSNP rs1477687349, ClinGen allele CA421256151.
Genomic context (GRCh38, chr1:155,950,988, plus strand): 5'-TGGCTCGGTCTGGCCCAGGGCGGCCAGCTGCCTTCGAGCCTCTTCGGCCTCACGCTCCAG[C>G]AGTGCCCGGGCCTGCTCACTCTCCCGGAGCCGGGCCTCCAGGCTGCCAGCTTCGGTTGCC-3'
Protein context (NP_001155855.1, residues 838-858): RLRESEQARA[Leu848=]LEREAEEARR

ClinVar aggregate classification (germline): Uncertain significance (1 of 4 stars; one submission).

Allele frequency attached by ClinVar (database versions not stated): TOPMed below 0.00001; gnomAD 0.00001; gnomAD exomes 0.00002.
gnomAD v4.1: 28 of 1,609,002 alleles (0.0017%); highest among the groups gnomAD compares: Non-Finnish European, 0.0024%; no homozygotes.

Submission:

CeGaT Center for Human Genetics Tuebingen
Classification: Uncertain significance. Last evaluated: 2022-10-01. Review status: criteria provided, single submitter. Criteria: CeGaT Center For Human Genetics Tuebingen Variant Classification Criteria Version 2. Collection method: clinical testing. Allele origin: germline. Affected: yes. Observed: 1 variant allele.
Comment: ARHGEF2: PM2, BP4